The following is an entry in ClinVar:

ClinVar aggregate classification (germline): Pathogenic (1 of 4 stars; one submission).

Submissions (3):

GeneDx
Classification: Pathogenic. Last evaluated: 2023-09-08. Review status: criteria provided, single submitter. Criteria: GeneDx Variant Classification Process June 2021. Collection method: clinical testing. Allele origin: germline. Affected: yes.
Comment: Canonical splice site variant predicted to result in a null allele in a gene for which loss of function is a known mechanism of disease; Not observed at significant frequency in large population cohorts (gnomAD); Has not been previously published as pathogenic or benign to our knowledge

Dr. Peter K. Rogan Lab, Western University
No classification provided (evidence only). Condition: Thyroid cancer, nonmedullary, 1. Review status: no classification provided. Collection method: in vitro. Allele origin: not applicable. Functional consequence: retained intron. Not counted in ClinVar's aggregate classification.

Dr. Peter K. Rogan Lab, Western University
No classification provided (evidence only). Condition: Thyroid cancer, nonmedullary, 1. Review status: no classification provided. Collection method: in vitro. Allele origin: not applicable. Functional consequence: retained intron. Not counted in ClinVar's aggregate classification.

NM_001110556.2(FLNA):c.4142+2T>G

Gene: FLNA (filamin A; minus strand). Cytogenetic location: Xq28.
Variant type: single nucleotide variant.
Coding change: c.4142+2T>G on transcript NM_001110556.2 (MANE Select); the canonical splice donor site of the intron after coding-DNA position 4142, T replaced by G.
Molecular consequence: splice donor variant.
Genome position (GRCh38, 1-based): chrX:154,359,482, A>C on the plus strand (T>G on the coding strand, the complement: FLNA is on the minus strand). VCF-style: chrX-154359482-A-C. GRCh37 (hg19) VCF-style: chrX-153587850-A-C.
Other names: NC_000023.10:g.153587850A>C; c.4142+2T>G (NM_001456.4).
Identifiers: ClinVar variation 3338772 (VCV003338772.2).